The following is an entry in ClinVar:

NM_000051.4(ATM):c.1436A>G (p.Asp479Gly)

Gene: ATM (ATM serine/threonine kinase; plus strand). Cytogenetic location: 11q22.3.
Variant type: single nucleotide variant.
Coding change: c.1436A>G on transcript NM_000051.4 (MANE Select); coding-DNA position 1436, A replaced by G.
Protein change: p.Asp479Gly; replaces aspartic acid 479 with glycine.
Molecular consequence: missense variant.
Genome position (GRCh38, 1-based): chr11:108,250,901, A>G. VCF-style: chr11-108250901-A-G. GRCh37 (hg19) VCF-style: chr11-108121628-A-G.
Other names: c.1436A>G, p.Asp479Gly (NM_001351834.2); short protein forms D479G.
Identifiers: ClinVar variation 481165 (VCV000481165.23), dbSNP rs1555070958, ClinGen allele CA382534061.
Genomic context (GRCh38, chr11:108,250,901, plus strand): 5'-TTACGGAAGTTGCATTGTGTCAAGACAAGAGGTCAAACCTAGAAAGCTCACAAAAGTCAG[A>G]TTTATTAAAACTCTGGAATAAAATTTGGTGTATTACCTTTCGTGGTATAAGTTCTGAGCA-3'
Protein context (NP_000042.3, residues 469-489): RSNLESSQKS[Asp479Gly]LLKLWNKIWC

ClinVar aggregate classification (germline): Uncertain significance. Review status: criteria provided, multiple submitters, no conflicts (2 of 4 stars). 8 submissions from 8 submitters: Uncertain significance (8). Last evaluated 2025-03-10.

Conditions:
Familial cancer of breast. Also called: BREAST CANCER, FAMILIAL; Hereditary breast cancer; hereditary breast carcinoma. Identifiers: Orphanet 227535, MedGen C0346153, MONDO:0016419, OMIM 114480. Disease mechanism: loss of function.
Hereditary cancer-predisposing syndrome. Also called: Hereditary neoplastic syndrome; Neoplastic Syndromes, Hereditary; Tumor predisposition; Hereditary Cancer Syndrome. Identifiers: Orphanet 140162, MedGen C0027672, MeSH D009386, MONDO:0015356.
Ataxia-telangiectasia syndrome (AT). Also called: LOUIS-BAR SYNDROME; Cerebello-oculocutaneous telangiectasia; Immunodeficiency with ataxia telangiectasia; AT, COMPLEMENTATION GROUP C; Ataxia-telangiectasia, complementation group D; ATAXIA-TELANGIECTASIA, COMPLEMENTATION GROUP A. Identifiers: Orphanet 100, MedGen C0004135, MONDO:0008840, OMIM 208900.

Allele frequency attached by ClinVar (database versions not stated): TOPMed below 0.00001; gnomAD 0.00001.

Submissions (8):

Ambry Genetics
Classification: Uncertain significance for Hereditary cancer-predisposing syndrome. Last evaluated: 2025-03-10. Review status: criteria provided, single submitter. Criteria: Ambry Variant Classification Scheme 2023. Collection method: clinical testing. Allele origin: germline.
Comment: The p.D479G variant (also known as c.1436A>G), located in coding exon 9 of the ATM gene, results from an A to G substitution at nucleotide position 1436. The aspartic acid at codon 479 is replaced by glycine, an amino acid with similar properties. This variant was reported in 1/270 Austrian Hereditary Breast and/or Ovarian Cancer families, who had prior negative BRCA1/2 genetic testing (Thorstenson YR et al. Cancer Res. 2003 Jun;63:3325-33). This amino acid position is not well conserved in available vertebrate species. In addition, this alteration is predicted to be tolerated by in silico analysis. Based on the available evidence, the clinical significance of this variant remains unclear.

Labcorp Genetics (formerly Invitae), Labcorp
Classification: Uncertain significance for Ataxia-telangiectasia syndrome. Last evaluated: 2024-06-11. Review status: criteria provided, single submitter. Criteria: Invitae Variant Classification Sherloc (09022015). Collection method: clinical testing. Allele origin: germline.
Comment: This sequence change replaces aspartic acid, which is acidic and polar, with glycine, which is neutral and non-polar, at codon 479 of the ATM protein (p.Asp479Gly). This variant is not present in population databases (gnomAD no frequency). This missense change has been observed in individual(s) with breast and/or ovarian cancer (PMID: 12810666). ClinVar contains an entry for this variant (Variation ID: 481165). An algorithm developed to predict the effect of missense changes on protein structure and function (PolyPhen-2) suggests that this variant¬†is likely to be tolerated. Algorithms developed to predict the effect of sequence changes on RNA splicing suggest that this variant may create or strengthen a splice site. In summary, the available evidence is currently insufficient to determine the role of this variant in disease. Therefore, it has been classified as a Variant of Uncertain Significance.

GeneDx
Classification: Uncertain significance. Last evaluated: 2024-04-02. Review status: criteria provided, single submitter. Criteria: GeneDx Variant Classification Process June 2021. Collection method: clinical testing. Allele origin: germline. Affected: yes.
Comment: Not observed at significant frequency in large population cohorts (gnomAD); In silico analysis supports that this missense variant does not alter protein structure/function; In silico analysis supports a deleterious effect on splicing; Observed in an individual with breast and/or ovarian cancer (PMID: 12810666); This variant is associated with the following publications: (PMID: 12810666)

Color Diagnostics, LLC DBA Color Health
Classification: Uncertain significance for Hereditary cancer-predisposing syndrome. Last evaluated: 2024-01-22. Review status: criteria provided, single submitter. Criteria: ACMG Guidelines, 2015. Collection method: clinical testing. Allele origin: germline.
Comment: This missense variant replaces aspartic acid with glycine at codon 479 of the ATM protein. Computational prediction suggests that this variant may not impact protein structure and function. To our knowledge, functional studies have not been reported for this variant. This variant has been reported in a family affected with hereditary breast and ovarian cancer (PMID: 12810666). This variant has not been identified in the general population by the Genome Aggregation Database (gnomAD). The available evidence is insufficient to determine the role of this variant in disease conclusively. Therefore, this variant is classified as a Variant of Uncertain Significance.

ARUP Laboratories, Molecular Genetics and Genomics, ARUP Laboratories
Classification: Uncertain significance. Last evaluated: 2024-01-19. Review status: criteria provided, single submitter. Criteria: ARUP Molecular Germline Variant Investigation Process 2024. Collection method: clinical testing. Allele origin: germline.

Baylor Genetics
Classification: Uncertain significance for Familial cancer of breast. Last evaluated: 2023-12-17. Review status: criteria provided, single submitter. Criteria: ACMG Guidelines, 2015. Collection method: clinical testing. Allele origin: unknown.

Centre for Mendelian Genomics, University Medical Centre Ljubljana
Classification: Uncertain significance for Familial cancer of breast. Last evaluated: 2019-05-20. Review status: criteria provided, single submitter. Criteria: ACMG Guidelines, 2015. Collection method: clinical testing. Allele origin: unknown. Affected: yes.
Comment: This variant was classified as: Uncertain significance. The available evidence on this variant's pathogenicity is insufficient or conflicting. The following ACMG criteria were applied in classifying this variant: PM2,BP1.

Women's Health and Genetics/Laboratory Corporation of America, LabCorp
Classification: Uncertain significance. Last evaluated: 2017-06-16. Review status: criteria provided, single submitter. Criteria: LabCorp Variant Classification Summary - May 2015. Collection method: clinical testing. Allele origin: germline.
Comment: Variant summary: The ATM c.1436A>G (p.Asp479Gly) variant involves the alteration of a conserved nucleotide. 3/4 in silico tools predict a damaging outcome for this variant. Due to lack of clinical and functional evidence, this variant is classified as VUS.

Literature cited by the submitters: PubMed 12810666 (cited by 4 submitters).